The following is an entry in ClinVar:

ClinVar aggregate classification (germline): Uncertain significance (1 of 4 stars; one submission).

Conditions:
Combined immunodeficiency due to DOCK8 deficiency (HIES2). Also called: HIES autosomal recessive; DOCK8 Deficiency; Hyper-IgE recurrent infection syndrome, autosomal recessive; HYPER-IgE SYNDROME 2, AUTOSOMAL RECESSIVE, WITH RECURRENT INFECTIONS; HYPER-IgE RECURRENT INFECTION SYNDROME 2, AUTOSOMAL RECESSIVE. Identifiers: Orphanet 217390, MedGen C4722305, MONDO:0009478, OMIM 243700.

Allele frequency attached by ClinVar (database versions not stated): gnomAD exomes below 0.00001; gnomAD 0.00004; TOPMed 0.00004.
gnomAD v4.1: 9 of 1,612,834 alleles (0.00056%); highest among the groups gnomAD compares: Admixed American, 0.013%; no homozygotes.

Submission:

Labcorp Genetics (formerly Invitae), Labcorp
Classification: Uncertain significance for Combined immunodeficiency due to DOCK8 deficiency. Last evaluated: 2024-10-28. Review status: criteria provided, single submitter. Criteria: Invitae Variant Classification Sherloc (09022015). Collection method: clinical testing. Allele origin: germline.
Comment: This sequence change falls in intron 13 of the DOCK8 gene. It does not directly change the encoded amino acid sequence of the DOCK8 protein. It affects a nucleotide within the consensus splice site. This variant is present in population databases (no rsID available, gnomAD 0.1%). This variant has not been reported in the literature in individuals affected with DOCK8-related conditions. ClinVar contains an entry for this variant (Variation ID: 1484071). Variants that disrupt the consensus splice site are a relatively common cause of aberrant splicing (PMID: 17576681, 9536098). Algorithms developed to predict the effect of sequence changes on RNA splicing suggest that this variant is not likely to affect RNA splicing. In summary, the available evidence is currently insufficient to determine the role of this variant in disease. Therefore, it has been classified as a Variant of Uncertain Significance.

Literature cited by the submitters: PubMed 17576681; PubMed 9536098.

NM_203447.4(DOCK8):c.1516+4T>C

Gene: DOCK8 (dedicator of cytokinesis 8; plus strand). Cytogenetic location: 9p24.3.
Variant type: single nucleotide variant.
Coding change: c.1516+4T>C on transcript NM_203447.4 (MANE Select); 4 bases into the intron after coding-DNA position 1516, T replaced by C.
Molecular consequence: intron variant.
Genome position (GRCh38, 1-based): chr9:339,103, T>C. VCF-style: chr9-339103-T-C. GRCh37 (hg19) VCF-style: chr9-339103-T-C.
Other names: c.1312+4T>C (NM_001193536.2, NM_001190458.2).
Identifiers: ClinVar variation 1484071 (VCV001484071.6), dbSNP rs931900125, ClinGen allele CA187763737.
Genomic context (GRCh38, chr9:339,103, plus strand): 5'-TTTTAGCTGACTACAAAAGATCATCATCCTTACAGAGACGAGTCAAGTCAATTCCAGGTG[T>C]GAATGACTTATCTTTATCCTCTTTAGCTGTGCCAAAACTGCTTATCGTTAGACACAGTCT-3'